The following is an entry in ClinVar:

NC_000013.10:g.(?_100909829)_(100909947_?)del

Gene: PCCA (propionyl-CoA carboxylase subunit alpha; plus strand). Cytogenetic location: 13q32.3.
Variant type: Deletion.
Identifiers: ClinVar variation 3244144 (VCV003244144.1).

ClinVar aggregate classification (germline): Pathogenic (1 of 4 stars; one submission).

Conditions:
Propionic acidemia (PROP). Also called: GLYCINEMIA, KETOTIC; HYPERGLYCINEMIA WITH KETOACIDOSIS AND LEUKOPENIA; KETOTIC HYPERGLYCINEMIA. Identifiers: Orphanet 35, MedGen C0268579, MONDO:0011628, OMIM 606054, HP:0003571.

Submission:

Labcorp Genetics (formerly Invitae), Labcorp
Classification: Pathogenic for Propionic acidemia. Last evaluated: 2024-01-21. Review status: criteria provided, single submitter. Criteria: Invitae Variant Classification Sherloc (09022015). Collection method: clinical testing. Allele origin: unknown.
Comment: This variant is a gross deletion of the genomic region encompassing exon(s) 9 of the PCCA gene. This deletion is out-of-frame, and is expected to create a premature termination codon and result in an absent or disrupted protein product. Loss-of-function variants in PCCA are known to be pathogenic (PMID: 15464417). This variant has not been reported in the literature in individuals affected with PCCA-related conditions. For these reasons, this variant has been classified as Pathogenic.

Literature cited by the submitters: PubMed 15464417.